The following is an entry in ClinVar:

NM_002528.7(NTHL1):c.265G>C (p.Val89Leu)

Gene: NTHL1 (nth like DNA glycosylase 1; minus strand). Cytogenetic location: 16p13.3.
Variant type: single nucleotide variant.
Coding change: c.265G>C on transcript NM_002528.7 (MANE Select); coding-DNA position 265, G replaced by C.
Protein change: p.Val89Leu; replaces valine 89 with leucine.
Molecular consequence: missense variant. On other transcripts: intron variant (1).
Genome position (GRCh38, 1-based): chr16:2,046,217, C>G on the plus strand (G>C on the coding strand, the complement: NTHL1 is on the minus strand). VCF-style: chr16-2046217-C-G. GRCh37 (hg19) VCF-style: chr16-2096218-C-G.
Other names: c.265G>C, p.Val89Leu (NM_001318193.2); c.24+63G>C (NM_001318194.2); short protein forms V89L.
Identifiers: ClinVar variation 3655761 (VCV003655761.2).

ClinVar aggregate classification (germline): Uncertain significance (1 of 4 stars; one submission).

Submission:

Labcorp Genetics (formerly Invitae), Labcorp
Classification: Uncertain significance. Last evaluated: 2024-06-12. Review status: criteria provided, single submitter. Criteria: Invitae Variant Classification Sherloc (09022015). Collection method: clinical testing. Allele origin: germline.
Comment: This sequence change replaces valine, which is neutral and non-polar, with leucine, which is neutral and non-polar, at codon 97 of the NTHL1 protein (p.Val97Leu). This variant is not present in population databases (gnomAD no frequency). This variant has not been reported in the literature in individuals affected with NTHL1-related conditions. An algorithm developed to predict the effect of missense changes on protein structure and function (PolyPhen-2) suggests that this variant is likely to be tolerated. In summary, the available evidence is currently insufficient to determine the role of this variant in disease. Therefore, it has been classified as a Variant of Uncertain Significance.